The following is an entry in ClinVar:

ClinVar aggregate classification (germline): Benign/Likely benign. Review status: criteria provided, multiple submitters, no conflicts (2 of 4 stars). 5 submissions from 4 submitters: Benign (2); Likely benign (3). Last evaluated 2026-01-27.

Conditions:
Bietti crystalline corneoretinal dystrophy (BCD). Also called: Bietti Crystalline Dystrophy; BIETTI TAPETORETINAL DEGENERATION WITH MARGINAL CORNEAL DYSTROPHY. Identifiers: Orphanet 41751, MedGen C1859486, MONDO:0008865, OMIM 210370.
Corneal dystrophy. Identifiers: Orphanet 34533, MedGen C0010036, MONDO:0018102, HP:0001131.

Allele frequency attached by ClinVar (database versions not stated): gnomAD exomes 0.00223 and 0.00603; ExAC 0.00770; 1000 Genomes Project 0.02037; 1000 Genomes Project 30x 0.02139; gnomAD 0.02516 and 0.02714; TOPMed 0.02736; ESP Exome Variant Server 0.02891.
gnomAD v4.1: 7,224 of 1,614,146 alleles (0.45%); highest among the groups gnomAD compares: African/African-American, 8.6%; 271 homozygotes.

Submissions (5):

Labcorp Genetics (formerly Invitae), Labcorp
Classification: Benign. Last evaluated: 2026-01-27. Review status: criteria provided, single submitter. Criteria: Invitae Variant Classification Sherloc (09022015). Collection method: clinical testing. Allele origin: germline.

GeneDx
Classification: Benign. Last evaluated: 2021-05-05. Review status: criteria provided, single submitter. Criteria: GeneDx Variant Classification Process June 2021. Collection method: clinical testing. Allele origin: germline. Affected: yes.

Illumina Laboratory Services, Illumina
Classification: Likely benign for Bietti crystalline corneoretinal dystrophy. Last evaluated: 2017-04-27. Review status: criteria provided, single submitter. Criteria: ICSL Variant Classification Criteria 13 December 2019. Collection method: clinical testing. Allele origin: germline.
Comment: This variant was observed as part of a predisposition screen in an ostensibly healthy population. A literature search was performed for the gene, cDNA change, and amino acid change (where applicable). No publications were found based on this search. Allele frequency data from public databases allowed determination this variant is unlikely to cause disease. Therefore, this variant is classified as likely benign.

Illumina Laboratory Services, Illumina
Classification: Likely benign for Corneal dystrophy. Last evaluated: 2017-04-27. Review status: criteria provided, single submitter. Criteria: ICSL Variant Classification Criteria 13 December 2019. Collection method: clinical testing. Allele origin: germline.
Comment: the same text as in the submission from Illumina Laboratory Services, Illumina above.

Breakthrough Genomics
Classification: Likely benign. Review status: criteria provided, single submitter. Criteria: ACMG Guidelines, 2015. Collection method: not provided. Allele origin: germline. Inheritance: Autosomal recessive inheritance. Affected: yes.

NM_207352.4(CYP4V2):c.638G>A (p.Ser213Asn)

Gene: CYP4V2 (cytochrome P450 family 4 subfamily V member 2; plus strand). Cytogenetic location: 4q35.1.
Variant type: single nucleotide variant.
Coding change: c.638G>A on transcript NM_207352.4 (MANE Select); coding-DNA position 638, G replaced by A.
Protein change: p.Ser213Asn; replaces serine 213 with asparagine.
Molecular consequence: missense variant.
Genome position (GRCh38, 1-based): chr4:186,197,566, G>A. VCF-style: chr4-186197566-G-A. GRCh37 (hg19) VCF-style: chr4-187118720-G-A.
Other names: short protein forms S213N.
Identifiers: ClinVar variation 348304 (VCV000348304.18), dbSNP rs34331648, ClinGen allele CA3162614.